The following is an entry in ClinVar:

NM_001287491.2(TET3):c.4551G>A (p.Lys1517=)

Gene: TET3 (tet methylcytosine dioxygenase 3; plus strand). Cytogenetic location: 2p13.1.
Variant type: single nucleotide variant.
Coding change: c.4551G>A on transcript NM_001287491.2 (MANE Select); coding-DNA position 4551, G replaced by A.
Protein change: p.Lys1517=; no amino-acid change (lysine 1517 retained).
Molecular consequence: synonymous variant.
Genome position (GRCh38, 1-based): chr2:74,101,339, G>A. VCF-style: chr2-74101339-G-A. GRCh37 (hg19) VCF-style: chr2-74328466-G-A.
Other names: c.4272G>A, p.Lys1424= (NM_001366022.1).
Identifiers: ClinVar variation 4979297 (VCV004979297.1).

ClinVar aggregate classification (germline): Likely benign (1 of 4 stars; one submission).

Conditions:
TET3-related disorder. Also called: TET3-Related Disease; TET3-related condition.

gnomAD v4.1: 37 of 1,613,756 alleles (0.0023%); highest among the groups gnomAD compares: Middle Eastern, 0.18%; no homozygotes.

Submission:

PreventionGenetics, part of Exact Sciences
Classification: Likely benign for TET3-related condition. Last evaluated: 2025-12-01. Review status: criteria provided, single submitter. Criteria: ACMG Guidelines, 2015. Collection method: clinical testing. Allele origin: germline.
Comment: This variant is classified as likely benign based on ACMG/AMP sequence variant interpretation guidelines (Richards et al. 2015 PMID: 25741868, with internal and published modifications).